The following is an entry in ClinVar:

NM_000061.3(BTK):c.1361A>C (p.His454Pro)

Gene: BTK (Bruton tyrosine kinase; minus strand). Cytogenetic location: Xq22.1.
Variant type: single nucleotide variant.
Coding change: c.1361A>C on transcript NM_000061.3 (MANE Select); coding-DNA position 1361, A replaced by C.
Protein change: p.His454Pro; replaces histidine 454 with proline.
Molecular consequence: missense variant. On other transcripts: intron variant (1).
Genome position (GRCh38, 1-based): chrX:101,356,257, T>G on the plus strand (A>C on the coding strand, the complement: BTK is on the minus strand). VCF-style: chrX-101356257-T-G. GRCh37 (hg19) VCF-style: chrX-100611245-T-G.
Other names: c.1463A>C, p.His488Pro (NM_001287344.2); c.1039-1563A>C (NM_001287345.2); short protein forms H488P, H454P.
Identifiers: ClinVar variation 2097341 (VCV002097341.4), dbSNP rs2520553985, ClinGen allele CA413924590.

ClinVar aggregate classification (germline): Likely pathogenic (1 of 4 stars; one submission).

Conditions:
X-linked agammaglobulinemia with growth hormone deficiency (IGHD3). Also called: AGAMMAGLOBULINEMIA AND ISOLATED GROWTH HORMONE DEFICIENCY, X-LINKED; FLEISHER SYNDROME; Isolated growth hormone deficiency type 3; Growth hormone deficiency with hypogammaglobulinemia; ISOLATED GROWTH HORMONE DEFICIENCY, TYPE III, WITH AGAMMAGLOBULINEMIA; HYPOGAMMAGLOBULINEMIA AND ISOLATED GROWTH HORMONE DEFICIENCY, X-LINKED. Identifiers: Orphanet 231692, Orphanet 631, MedGen C0472813, MONDO:0010615, OMIM 307200.

Submission:

Labcorp Genetics (formerly Invitae), Labcorp
Classification: Likely pathogenic for X-linked agammaglobulinemia with growth hormone deficiency. Last evaluated: 2022-06-25. Review status: criteria provided, single submitter. Criteria: Invitae Variant Classification Sherloc (09022015). Collection method: clinical testing. Allele origin: germline.
Comment: In summary, the currently available evidence indicates that the variant is pathogenic, but additional data are needed to prove that conclusively. Therefore, this variant has been classified as Likely Pathogenic. This variant disrupts the p.His454 amino acid residue in BTK. Other variant(s) that disrupt this residue have been observed in individuals with BTK-related conditions (PMID: 27512878; Invitae), which suggests that this may be a clinically significant amino acid residue. Advanced modeling of protein sequence and biophysical properties (such as structural, functional, and spatial information, amino acid conservation, physicochemical variation, residue mobility, and thermodynamic stability) performed at Invitae indicates that this missense variant is expected to disrupt BTK protein function. This missense change has been observed in individual(s) with clinical features of BTK-related conditions (Invitae). This variant is not present in population databases (gnomAD no frequency). This sequence change replaces histidine, which is basic and polar, with proline, which is neutral and non-polar, at codon 454 of the BTK protein (p.His454Pro).

Literature cited by the submitters: PubMed 27512878.